The following is an entry in ClinVar:

ClinVar aggregate classification (germline): Uncertain significance (1 of 4 stars; one submission).

Submission:

Labcorp Genetics (formerly Invitae), Labcorp
Classification: Uncertain significance. Last evaluated: 2022-10-17. Review status: criteria provided, single submitter. Criteria: Invitae Variant Classification Sherloc (09022015). Collection method: clinical testing. Allele origin: germline.
Comment: This variant has not been reported in the literature in individuals affected with KDSR-related conditions. This variant is not present in population databases (gnomAD no frequency). This sequence change replaces leucine, which is neutral and non-polar, with valine, which is neutral and non-polar, at codon 22 of the KDSR protein (p.Leu22Val). Algorithms developed to predict the effect of missense changes on protein structure and function (SIFT, PolyPhen-2, Align-GVGD) all suggest that this variant is likely to be tolerated. In summary, the available evidence is currently insufficient to determine the role of this variant in disease. Therefore, it has been classified as a Variant of Uncertain Significance.

NM_002035.4(KDSR):c.64C>G (p.Leu22Val)

Gene: KDSR (3-ketodihydrosphingosine reductase; minus strand). Cytogenetic location: 18q21.33.
Variant type: single nucleotide variant.
Coding change: c.64C>G on transcript NM_002035.4 (MANE Select); coding-DNA position 64, C replaced by G.
Protein change: p.Leu22Val; replaces leucine 22 with valine.
Molecular consequence: missense variant.
Genome position (GRCh38, 1-based): chr18:63,367,055, G>C on the plus strand (C>G on the coding strand, the complement: KDSR is on the minus strand). VCF-style: chr18-63367055-G-C. GRCh37 (hg19) VCF-style: chr18-61034288-G-C.
Other names: short protein forms L22V.
Identifiers: ClinVar variation 1918752 (VCV001918752.5), dbSNP rs2511674756, ClinGen allele CA402634780.